The following is an entry in ClinVar:

NM_001369268.1(ACAN):c.292A>G (p.Ser98Gly)

Gene: ACAN (aggrecan; plus strand). Cytogenetic location: 15q26.1.
Variant type: single nucleotide variant.
Coding change: c.292A>G on transcript NM_001369268.1 (MANE Select); coding-DNA position 292, A replaced by G.
Protein change: p.Ser98Gly; replaces serine 98 with glycine.
Molecular consequence: missense variant.
Genome position (GRCh38, 1-based): chr15:88,838,884, A>G. VCF-style: chr15-88838884-A-G. GRCh37 (hg19) VCF-style: chr15-89382115-A-G.
Other names: c.292A>G, p.Ser98Gly (NM_001411096.1, NM_001411097.1, NM_013227.4 and 1 more transcripts); short protein forms S98G.
Identifiers: ClinVar variation 3670839 (VCV003670839.2).

ClinVar aggregate classification (germline): Uncertain significance (1 of 4 stars; one submission).

gnomAD v4.1: 1 of 1,614,070 alleles (0.000062%); highest among the groups gnomAD compares: Non-Finnish European, 0.000085%; no homozygotes.

Submission:

Labcorp Genetics (formerly Invitae), Labcorp
Classification: Uncertain significance. Last evaluated: 2024-06-09. Review status: criteria provided, single submitter. Criteria: Invitae Variant Classification Sherloc (09022015). Collection method: clinical testing. Allele origin: germline.
Comment: This sequence change replaces serine, which is neutral and polar, with glycine, which is neutral and non-polar, at codon 98 of the ACAN protein (p.Ser98Gly). This variant is not present in population databases (gnomAD no frequency). This variant has not been reported in the literature in individuals affected with ACAN-related conditions. Advanced modeling of protein sequence and biophysical properties (such as structural, functional, and spatial information, amino acid conservation, physicochemical variation, residue mobility, and thermodynamic stability) performed at Invitae indicates that this missense variant is not expected to disrupt ACAN protein function with a negative predictive value of 80%. In summary, the available evidence is currently insufficient to determine the role of this variant in disease. Therefore, it has been classified as a Variant of Uncertain Significance.